The following is an entry in ClinVar:

NM_014639.4(SKIC3):c.2842G>T (p.Glu948Ter)

Gene: SKIC3 (SKI3 subunit of superkiller complex; minus strand). Cytogenetic location: 5q15.
Variant type: single nucleotide variant.
Coding change: c.2842G>T on transcript NM_014639.4 (MANE Select); coding-DNA position 2842, G replaced by T.
Protein change: p.Glu948Ter; replaces glutamic acid 948 with a stop codon.
Molecular consequence: nonsense.
Genome position (GRCh38, 1-based): chr5:95,512,555, C>A on the plus strand (G>T on the coding strand, the complement: SKIC3 is on the minus strand). VCF-style: chr5-95512555-C-A. GRCh37 (hg19) VCF-style: chr5-94848259-C-A.
Other names: short protein forms E948*.
Identifiers: ClinVar variation 1687390 (VCV001687390.6), dbSNP rs2112308481, ClinGen allele CA360455487.

ClinVar aggregate classification (germline): Pathogenic/Likely pathogenic. Review status: criteria provided, multiple submitters, no conflicts (2 of 4 stars). 2 submissions from 2 submitters: Pathogenic (1); Likely pathogenic (1). Last evaluated 2022-12-01.

Conditions:
Trichohepatoenteric syndrome 1 (THES1). Also called: DIARRHEA, FATAL INFANTILE, WITH TRICHORRHEXIS NODOSA. Identifiers: Orphanet 84064, MedGen C4551982, MONDO:0024541, OMIM 222470.

Submissions (2):

Labcorp Genetics (formerly Invitae), Labcorp
Classification: Pathogenic. Last evaluated: 2022-12-01. Review status: criteria provided, single submitter. Criteria: Invitae Variant Classification Sherloc (09022015). Collection method: clinical testing. Allele origin: germline.
Comment: This sequence change creates a premature translational stop signal (p.Glu948*) in the TTC37 gene. It is expected to result in an absent or disrupted protein product. Loss-of-function variants in TTC37 are known to be pathogenic (PMID: 20176027, 21120949). For these reasons, this variant has been classified as Pathogenic. This variant is not present in population databases (gnomAD no frequency). This variant has not been reported in the literature in individuals affected with TTC37-related conditions. ClinVar contains an entry for this variant (Variation ID: 1687390). Algorithms developed to predict the effect of sequence changes on RNA splicing suggest that this variant may disrupt the consensus splice site.

3billion
Classification: Likely pathogenic for Trichohepatoenteric syndrome 1. Last evaluated: 2022-05-22. Review status: criteria provided, single submitter. Criteria: ACMG Guidelines, 2015. Collection method: clinical testing. Allele origin: germline. Affected: yes. Observed: 1 heterozygote.
Comment: The variant is not observed in the gnomAD v2.1.1 dataset. Stop-gained (nonsense): predicted to result in a loss or disruption of normal protein function through nonsense-mediated decay (NMD) or protein truncation. Multiple pathogenic variants are reported downstream of the variant. Therefore, this variant is classified as likely pathogenic according to the recommendation of ACMG/AMP guideline.

Literature cited by the submitters: PubMed 20176027 (cited by Labcorp Genetics (formerly Invitae), Labcorp); PubMed 21120949 (cited by Labcorp Genetics (formerly Invitae), Labcorp).